The following is an entry in ClinVar:

ClinVar aggregate classification (germline): Uncertain significance. Review status: criteria provided, multiple submitters, no conflicts (2 of 4 stars). 2 submissions from 2 submitters: Uncertain significance (2). Last evaluated 2024-08-21.

Conditions:
Hereditary cancer-predisposing syndrome. Also called: Hereditary Cancer Syndrome; Hereditary neoplastic syndrome; Neoplastic Syndromes, Hereditary; Tumor predisposition. Identifiers: Orphanet 140162, MedGen C0027672, MeSH D009386, MONDO:0015356.

Allele frequency attached by ClinVar (database versions not stated): TOPMed below 0.00001.

Submissions (2):

Labcorp Genetics (formerly Invitae), Labcorp
Classification: Uncertain significance. Last evaluated: 2024-08-21. Review status: criteria provided, single submitter. Criteria: Invitae Variant Classification Sherloc (09022015). Collection method: clinical testing. Allele origin: germline.
Comment: This sequence change replaces alanine, which is neutral and non-polar, with proline, which is neutral and non-polar, at codon 141 of the HOXB13 protein (p.Ala141Pro). This variant is not present in population databases (gnomAD no frequency). This variant has not been reported in the literature in individuals affected with HOXB13-related conditions. ClinVar contains an entry for this variant (Variation ID: 1738823). Invitae Evidence Modeling of protein sequence and biophysical properties (such as structural, functional, and spatial information, amino acid conservation, physicochemical variation, residue mobility, and thermodynamic stability) indicates that this missense variant is not expected to disrupt HOXB13 protein function with a negative predictive value of 80%. In summary, the available evidence is currently insufficient to determine the role of this variant in disease. Therefore, it has been classified as a Variant of Uncertain Significance.

Ambry Genetics
Classification: Uncertain significance for Hereditary cancer-predisposing syndrome. Last evaluated: 2024-06-22. Review status: criteria provided, single submitter. Criteria: Ambry Variant Classification Scheme 2023. Collection method: clinical testing. Allele origin: germline.
Comment: The p.A141P variant (also known as c.421G>C), located in coding exon 1 of the HOXB13 gene, results from a G to C substitution at nucleotide position 421. The alanine at codon 141 is replaced by proline, an amino acid with highly similar properties. This amino acid position is conserved. In addition, this alteration is predicted to be tolerated by in silico analysis. Since supporting evidence is limited at this time, the clinical significance of this alteration remains unclear.

NM_006361.6(HOXB13):c.421G>C (p.Ala141Pro)

Gene: HOXB13 (homeobox B13; minus strand). Cytogenetic location: 17q21.32.
Variant type: single nucleotide variant.
Coding change: c.421G>C on transcript NM_006361.6 (MANE Select); coding-DNA position 421, G replaced by C.
Protein change: p.Ala141Pro; replaces alanine 141 with proline.
Molecular consequence: missense variant.
Genome position (GRCh38, 1-based): chr17:48,728,173, C>G on the plus strand (G>C on the coding strand, the complement: HOXB13 is on the minus strand). VCF-style: chr17-48728173-C-G. GRCh37 (hg19) VCF-style: chr17-46805535-C-G.
Other names: short protein forms A141P.
Identifiers: ClinVar variation 1738823 (VCV001738823.5), dbSNP rs1405620801, ClinGen allele CA400107489.
Genomic context (GRCh38, chr17:48,728,173, plus strand): 5'-CATGTCGCGGTTCTCCAGGAGCACCCAGAGTCTGCACCACAGACACGTCCAGGTAACTGG[C>G]CATAGGCTGGTAGGTTCCCGGATATCCCGGATAGAAGGCAAACTCAGTGGGGCGGCTGGG-3'
Protein context (NP_006352.2, residues 131-151): PGYPGTYQPM[Ala141Pro]SYLDVSVVQT